The following is an entry in ClinVar:

NM_006393.3(NEBL):c.1129G>T (p.Glu377Ter)

Gene: NEBL (nebulette; minus strand). Cytogenetic location: 10p12.31.
Variant type: single nucleotide variant.
Coding change: c.1129G>T on transcript NM_006393.3 (MANE Select); coding-DNA position 1129, G replaced by T.
Protein change: p.Glu377Ter; replaces glutamic acid 377 with a stop codon.
Molecular consequence: nonsense. On other transcripts: intron variant (9).
Genome position (GRCh38, 1-based): chr10:20,845,356, C>A on the plus strand (G>T on the coding strand, the complement: NEBL is on the minus strand). VCF-style: chr10-20845356-C-A. GRCh37 (hg19) VCF-style: chr10-21134285-C-A.
Other names: c.250-32416G>T (NM_001377326.1, NM_001377327.1, NM_001377328.1); c.358-32416G>T (NM_213569.2, NM_001173484.2, NM_001377322.1); c.301-32416G>T (NM_001377324.1); c.292-32416G>T (NM_001377325.1); c.310-32416G>T (NM_001377323.1); short protein forms E377*.
Identifiers: ClinVar variation 2108955 (VCV002108955.4), dbSNP rs2491941256, ClinGen allele CA376099730.

ClinVar aggregate classification (germline): Uncertain significance (1 of 4 stars; one submission).

Conditions:
Primary dilated cardiomyopathy (DCM). Also called: Dilated Cardiomyopathy. Identifiers: Orphanet 217604, MedGen C0007193, MeSH D002311, MONDO:0005021, HP:0001644. Inheritance: Various modes of inheritance.

Submission:

Labcorp Genetics (formerly Invitae), Labcorp
Classification: Uncertain significance for Primary dilated cardiomyopathy. Last evaluated: 2022-05-04. Review status: criteria provided, single submitter. Criteria: Invitae Variant Classification Sherloc (09022015). Collection method: clinical testing. Allele origin: germline.
Comment: This sequence change creates a premature translational stop signal (p.Glu377*) in the NEBL gene. It is expected to result in an absent or disrupted protein product. However, the current clinical and genetic evidence is not sufficient to establish whether loss-of-function variants in NEBL cause disease. In summary, the available evidence is currently insufficient to determine the role of this variant in disease. Therefore, it has been classified as a Variant of Uncertain Significance. This variant has not been reported in the literature in individuals affected with NEBL-related conditions. Algorithms developed to predict the effect of sequence changes on RNA splicing suggest that this variant may disrupt the consensus splice site. This variant is not present in population databases (gnomAD no frequency).